The following is an entry in ClinVar:

NM_000459.5(TEK):c.3295C>T (p.Arg1099Ter)

Gene: TEK (TEK receptor tyrosine kinase; plus strand). Cytogenetic location: 9p21.2.
Variant type: single nucleotide variant.
Coding change: c.3295C>T on transcript NM_000459.5 (MANE Select); coding-DNA position 3295, C replaced by T.
Protein change: p.Arg1099Ter; replaces arginine 1099 with a stop codon.
Molecular consequence: nonsense.
Genome position (GRCh38, 1-based): chr9:27,228,300, C>T. VCF-style: chr9-27228300-C-T. GRCh37 (hg19) VCF-style: chr9-27228298-C-T.
Other names: c.3292C>T, p.Arg1098Ter (NM_001375475.1); c.3163C>T, p.Arg1055Ter (NM_001375476.1); c.3166C>T, p.Arg1056Ter (NM_001290077.2); c.2851C>T, p.Arg951Ter (NM_001290078.2); short protein forms R1055*, R1056*, R1098*, R1099*, R951*.
Identifiers: ClinVar variation 981230 (VCV000981230.6), dbSNP rs1826418572, ClinGen allele CA373131141.
Genomic context (GRCh38, chr9:27,228,300, plus strand): 5'-CCTTATGAGAGGCCATCATTTGCCCAGATATTGGTGTCCTTAAACAGAATGTTAGAGGAG[C>T]GAAAGGTAAGTATTAAAGTCAGGCAGGAGATCTTTAATTGGAATACCTGATGTGCCCAGG-3'

ClinVar aggregate classification (germline): Pathogenic. Review status: criteria provided, multiple submitters, no conflicts (2 of 4 stars). 5 submissions from 5 submitters: Pathogenic (4). 1 of the submissions does not count toward it. Last evaluated 2026-01-06.

Conditions:
Multiple cutaneous and mucosal venous malformations (VMCM). Also called: TEK-Related Multiple Cutaneous and Mucosal Venous Malformations (VMCM). Identifiers: Orphanet 2451, MedGen C1838437, MONDO:0010842, OMIM 600195.
Abnormal cardiovascular system morphology. Also called: Abnormality of cardiovascular system morphology. Identifiers: MedGen C4049796, HP:0030680.

Submissions (5):

Dasa
Classification: Pathogenic. Last evaluated: 2026-01-06. Review status: criteria provided, single submitter. Criteria: DASA Assertion Criteria. Collection method: clinical testing. Allele origin: germline.
Comment: NM_000459.5(TEK):c.3295C>T (p.Arg1099Ter) introduces a premature termination codon predicted to result in loss of normal protein function. Loss-of-function is an established mechanism of disease for this gene. Functional evidence supports a deleterious effect on the gene or gene product (PMID: 23801934; PMID: 27519652; PMID: 20301733; PMID: 26258417). This variant has been recurrently observed in individuals with related phenotype (PMID: 23801934; PMID: 27519652; PMID: 20301733; PMID: 26258417). The variant is present at low frequency in population datasets. Based on the available data, this variant is classified as pathogenic.

Victorian Clinical Genetics Services, Murdoch Childrens Research Institute
Classification: Pathogenic for Multiple cutaneous and mucosal venous malformations. Last evaluated: 2025-09-16. Review status: criteria provided, single submitter. Criteria: ACMG Guidelines, 2015. Collection method: clinical testing. Allele origin: germline. Affected: yes.
Comment: This variant is classified as Pathogenic. Evidence in support of pathogenic classification: Variant is predicted to result in a truncated protein (premature termination codon is NOT located at least 54 nucleotides upstream of the final exon-exon junction) with less than 1/3 of the protein sequence affected; Variant is absent from gnomAD (v2, v3 and v4); This variant has moderate previous evidence of pathogenicity in unrelated individuals. This variant has been identified on somatic testing of venous malformations in multiple unrelated individuals published in the literature (PMIDs: 36171295, 27519652, 39632338). This variant has also been classified as pathogenic by clinical laboratories in ClinVar (all somatic alleles); Other protein truncating variant(s) comparable to the one identified in this case have very strong previous evidence for pathogenicity (DECIPHER, PMID: 39632338); Additional information: This variant is heterozygous; This gene is associated with autosomal dominant disease; Variant is predicted to truncate part of the C-terminal tail domain. Variants located within this region disrupt the interaction with TEK's negative regulator calmodulin, leading to sustained signalling (PMID: 39632338); Loss of function and gain of function are known mechanisms of disease in this gene and are associated with glaucoma 3, primary congenital, E (MIM#617272) and venous malformations, multiple cutaneous and mucosal (MIM#600195), respectively.

Clinical Genomics Laboratory, Washington University in St. Louis
Classification: Pathogenic for Multiple cutaneous and mucosal venous malformations. Last evaluated: 2023-10-12. Review status: criteria provided, single submitter. Criteria: ACMG Guidelines, 2015. Collection method: clinical testing. Allele origin: somatic. Affected: yes.
Comment: The TEK c.3295C>T (p.Arg1099Ter) variant was identified at an allelic fraction consistent with somatic origin. This variant has been reported in multiple individuals affected with vascular malformations (Soblet J et al., PMID: 23801934; Soblet J et al., PMID: 27519652; Nätynki M et al., PMID: 26319232; Paolacci S et al., PMID: 33105631). This variant is absent from the general population (gnomAD v3.1.2), indicating it is not a common variant. The TEK c.3295C>T (p.Arg1099Ter) variant causes a premature termination codon; however, because this occurs in the penultimate exon, it is not predicted to lead to nonsense-mediated decay. This variant resides within the cytoplasmic kinase domain of TEK, which is a critical functional domain (Shewchuk LM et al., PMID: 11080633). Functional studies show that this variant truncates the C-terminal inhibitory loop and causes increased receptor autophosphorylation, indicating that this variant impacts protein function (Boscolo E et al., PMID: 26258417; Soblet J et al., PMID: 23801934). Based on an internally-developed protocol informed by the ACMG/AMP guidelines (Richards S et al., PMID: 25741868), the TEK c.3295C>T (p.Arg1099Ter) variant is classified as pathogenic.

Seattle Children's Hospital Molecular Genetics Laboratory, Seattle Children's Hospital
Classification: Pathogenic for Multiple cutaneous and mucosal venous malformations. Review status: criteria provided, single submitter. Criteria: ACMG Guidelines, 2015. Collection method: clinical testing. Allele origin: somatic. Affected: yes.
Comment: The p.Arg1099* variant results in a premature stop codon within the penultimate exon (exon 22) of the TEK gene and is predicted to escape nonsense mediated decay. The p.Arg1099* variant has been reported in blue rubber bleb nevus (BRBN) syndrome and venous malformations (PMID: 27519652, PMID: 23801934). It is absent from large population databases (gnomAD v4.1.0). Late truncating mutations in TEK have been reported in individuals with sporadic venous malformations and functional studies of C-terminal mutations have been shown to lead to ligand-independent kinase activation.

MAGI's Lab - Research, MAGI Group
Classification: Pathogenic for Abnormal cardiovascular system morphology. Review status: no assertion criteria provided. Collection method: provider interpretation. Allele origin: somatic. Affected: yes. Not counted in ClinVar's aggregate classification.

Literature cited by the submitters: PubMed 23801934 (cited by Dasa); PubMed 27519652 (cited by Dasa and Victorian Clinical Genetics Services, Murdoch Childrens Research Institute); PubMed 20301733 (cited by Dasa); PubMed 26258417 (cited by Dasa); PubMed 39632338 (cited by Victorian Clinical Genetics Services, Murdoch Childrens Research Institute); PubMed 36171295 (cited by Victorian Clinical Genetics Services, Murdoch Childrens Research Institute).